The following is an entry in ClinVar:

ClinVar aggregate classification (germline): Uncertain significance (1 of 4 stars; one submission).

Allele frequency attached by ClinVar (database versions not stated): TOPMed below 0.00001.
gnomAD v4.1: 18 of 1,613,804 alleles (0.0011%); highest among the groups gnomAD compares: Non-Finnish European, 0.0014%; no homozygotes.

Submission:

Labcorp Genetics (formerly Invitae), Labcorp
Classification: Uncertain significance. Last evaluated: 2020-08-31. Review status: criteria provided, single submitter. Criteria: Invitae Variant Classification Sherloc (09022015). Collection method: clinical testing. Allele origin: germline.
Comment: This sequence change replaces proline with serine at codon 66 of the REEP6 protein (p.Pro66Ser). The proline residue is highly conserved and there is a moderate physicochemical difference between proline and serine. In summary, the available evidence is currently insufficient to determine the role of this variant in disease. Therefore, it has been classified as a Variant of Uncertain Significance. Experimental studies and prediction algorithms are not available or were not evaluated, and the functional significance of this variant is currently unknown. This variant has not been reported in the literature in individuals with REEP6-related conditions. This variant is not present in population databases (ExAC no frequency).

NM_138393.4(REEP6):c.196C>T (p.Pro66Ser)

Gene: REEP6 (receptor accessory protein 6; plus strand). Cytogenetic location: 19p13.3.
Variant type: single nucleotide variant.
Coding change: c.196C>T on transcript NM_138393.4 (MANE Select); coding-DNA position 196, C replaced by T.
Protein change: p.Pro66Ser; replaces proline 66 with serine.
Molecular consequence: missense variant.
Genome position (GRCh38, 1-based): chr19:1,495,374, C>T. VCF-style: chr19-1495374-C-T. GRCh37 (hg19) VCF-style: chr19-1495373-C-T.
Other names: c.196C>T, p.Pro66Ser (NM_001329556.3); short protein forms P66S.
Identifiers: ClinVar variation 1024362 (VCV001024362.6), dbSNP rs1178905173, ClinGen allele CA403056520.
Genomic context (GRCh38, chr19:1,495,374, plus strand): 5'-CTGTATCTGCTGTTCGGCTACGGAGCGTCTCTGCTGTGCAATCTCATCGGATTTGTGTAC[C>T]CCGCATATGCCTCGTGAGTGCACGGCTGGCTGCCCACGCGGGGGGTTCTGGGGGCTCCCT-3'
Protein context (NP_612402.1, residues 56-76): LLCNLIGFVY[Pro66Ser]AYASIKAIES